The following is an entry in ClinVar:

NM_000059.4(BRCA2):c.9096A>C (p.Lys3032Asn)

Gene: BRCA2 (BRCA2 DNA repair associated; plus strand). Cytogenetic location: 13q13.1.
Variant type: single nucleotide variant.
Coding change: c.9096A>C on transcript NM_000059.4 (MANE Select); coding-DNA position 9096, A replaced by C.
Protein change: p.Lys3032Asn; replaces lysine 3032 with asparagine.
Molecular consequence: missense variant.
Genome position (GRCh38, 1-based): chr13:32,379,892, A>C. VCF-style: chr13-32379892-A-C. GRCh37 (hg19) VCF-style: chr13-32954029-A-C.
Other names: short protein forms K3032N.
Identifiers: ClinVar variation 220564 (VCV000220564.13), dbSNP rs864622582, ClinGen allele CA348978.

ClinVar aggregate classification (germline): Conflicting classifications of pathogenicity. Review status: criteria provided, conflicting classifications (1 of 4 stars). 6 submissions from 6 submitters: Uncertain significance (5); Likely benign (1). Last evaluated 2025-03-26.

Conditions:
Breast and/or ovarian cancer. Identifiers: MedGen CN221562.
Hereditary cancer-predisposing syndrome. Also called: Hereditary neoplastic syndrome; Tumor predisposition; Hereditary Cancer Syndrome; Neoplastic Syndromes, Hereditary. Identifiers: Orphanet 140162, MedGen C0027672, MeSH D009386, MONDO:0015356.
Hereditary breast ovarian cancer syndrome. Also called: BRCA1- and BRCA2-Associated Hereditary Breast and Ovarian Cancer; Hereditary breast and ovarian cancer syndrome (HBOC); Hereditary breast and/or ovarian cancer syndrome; Hereditary breast and ovarian cancer syndrome; Hereditary breast and ovarian cancer; Breast and ovarian cancer. Identifiers: Orphanet 145, MedGen C0677776, MeSH D061325, MONDO:0003582. Disease mechanism: loss of function.
Familial cancer of breast. Also called: hereditary breast carcinoma; Hereditary breast cancer; BREAST CANCER, FAMILIAL. Identifiers: Orphanet 227535, MedGen C0346153, MONDO:0016419, OMIM 114480. Disease mechanism: loss of function.

Allele frequency attached by ClinVar (database versions not stated): TOPMed below 0.00001; gnomAD 0.00001; gnomAD exomes below 0.00001.
gnomAD v4.1: 3 of 1,613,730 alleles (0.00019%); highest among the groups gnomAD compares: East Asian, 0.0022%; no homozygotes.

Submissions (6):

Labcorp Genetics (formerly Invitae), Labcorp
Classification: Likely benign for Hereditary breast ovarian cancer syndrome. Last evaluated: 2025-03-26. Review status: criteria provided, single submitter. Criteria: Invitae Variant Classification Sherloc (09022015). Collection method: clinical testing. Allele origin: germline.

Color Diagnostics, LLC DBA Color Health
Classification: Uncertain significance for Hereditary cancer-predisposing syndrome. Last evaluated: 2025-01-19. Review status: criteria provided, single submitter. Criteria: ACMG Guidelines, 2015. Collection method: clinical testing. Allele origin: germline.
Comment: This missense variant replaces lysine with asparagine at codon 3032 of the BRCA2 protein. Computational prediction suggests that this variant may not impact protein structure and function (internally defined REVEL score threshold <= 0.5, PMID: 27666373). To our knowledge, functional studies have not been reported for this variant. This variant has not been reported in individuals affected with BRCA2-related disorders in the literature. This variant has been identified in 1/31402 chromosomes in the general population by the Genome Aggregation Database (gnomAD). The available evidence is insufficient to determine the role of this variant in disease conclusively. Therefore, this variant is classified as a Variant of Uncertain Significance.

Baylor Genetics
Classification: Uncertain significance for Familial cancer of breast. Last evaluated: 2024-03-29. Review status: criteria provided, single submitter. Criteria: ACMG Guidelines, 2015. Collection method: clinical testing. Allele origin: unknown.

Ambry Genetics
Classification: Uncertain significance for Hereditary cancer-predisposing syndrome. Last evaluated: 2023-10-13. Review status: criteria provided, single submitter. Criteria: Ambry Variant Classification Scheme 2023. Collection method: clinical testing. Allele origin: germline.
Comment: The p.K3032N variant (also known as c.9096A>C), located in coding exon 22 of the BRCA2 gene, results from an A to C substitution at nucleotide position 9096. The lysine at codon 3032 is replaced by asparagine, an amino acid with similar properties. This amino acid position is not well conserved in available vertebrate species. In addition, the in silico prediction for this alteration is inconclusive. Since supporting evidence is limited at this time, the clinical significance of this alteration remains unclear.

CHEO Genetics Diagnostic Laboratory, Children's Hospital of Eastern Ontario
Classification: Uncertain significance for Breast and/or ovarian cancer. Last evaluated: 2018-05-16. Review status: criteria provided, single submitter. Criteria: ACMG Guidelines, 2015. Collection method: clinical testing. Allele origin: germline.

GeneDx
Classification: Uncertain significance. Last evaluated: 2015-11-25. Review status: criteria provided, single submitter. Criteria: GeneDx Variant Classification (06012015). Collection method: clinical testing. Allele origin: germline. Affected: yes.
Comment: This variant is denoted BRCA2 c.9096A>C at the cDNA level, p.Lys3032Asn (K3032N) at the protein level, and results in the change of a Lysine to an Asparagine (AAA>AAC). Using alternate nomenclature, this variant would be defined as BRCA2 9324A>C. This variant has not, to our knowledge, been published in the literature as pathogenic or benign. BRCA2 Lys3032Asn was not observed in approximately 6,500 individuals of European and African American ancestry in the NHLBI Exome Sequencing Project, suggesting it is not a common benign variant in these populations. Since Lysine and Asparagine differ in some properties, this is considered a semi-conservative amino acid substitution. BRCA2 Lys3032Asn occurs at a position where amino acids with properties similar to Lysine are tolerated across species and is located in the DNA binding domain (Borg 2010). In silico analyses are inconsistent regarding the effect this variant may have on protein structure and function. Based on currently available evidence, it is unclear whether BRCA2 Lys3032Asn is a pathogenic or benign variant. We consider it to be a variant of uncertain significance.